The following is an entry in ClinVar:

ClinVar aggregate classification (germline): Likely benign (1 of 4 stars; one submission).

Allele frequency attached by ClinVar (database versions not stated): gnomAD 0.00010; TOPMed 0.00016.
gnomAD v4.1: 337 of 1,600,640 alleles (0.021%); highest among the groups gnomAD compares: Non-Finnish European, 0.028%; no homozygotes.

Submission:

CeGaT Center for Human Genetics Tuebingen
Classification: Likely benign. Last evaluated: 2023-02-01. Review status: criteria provided, single submitter. Criteria: CeGaT Center For Human Genetics Tuebingen Variant Classification Criteria Version 2. Collection method: clinical testing. Allele origin: germline. Affected: yes. Observed: 1 variant allele.
Comment: IQSEC1: BP4, BP7

NM_001134382.3(IQSEC1):c.1722C>T (p.Asp574=)

Gene: IQSEC1 (IQ motif and Sec7 domain ArfGEF 1; minus strand). Cytogenetic location: 3p25.2.
Variant type: single nucleotide variant.
Coding change: c.1722C>T on transcript NM_001134382.3 (MANE Select); coding-DNA position 1722, C replaced by T.
Protein change: p.Asp574=; no amino-acid change (aspartic acid 574 retained).
Molecular consequence: synonymous variant.
Genome position (GRCh38, 1-based): chr3:12,924,589, G>A on the plus strand (C>T on the coding strand, the complement: IQSEC1 is on the minus strand). VCF-style: chr3-12924589-G-A. GRCh37 (hg19) VCF-style: chr3-12966089-G-A.
Other names: c.1398C>T, p.Asp466= (NM_001330619.3); c.2046C>T, p.Asp682= (NM_001376938.2); c.1764C>T, p.Asp588= (NM_014869.8).
Identifiers: ClinVar variation 2653556 (VCV002653556.24), dbSNP rs753411185, ClinGen allele CA2262205.
Genomic context (GRCh38, chr3:12,924,589, plus strand): 5'-CGTGAGGGCGTGTGTGGAATCAGGTCCCCCACCACCCCCATGCAGAACTTACTCGAGCAC[G>A]TCACGGTTGAACTGCTTCTGCCGGTTGCCCAGGAACTCGCCGATCATCTGCCGGCTGAGG-3'
Protein context (NP_001127854.1, residues 564-584): LGNRQKQFNR[Asp574=]VLDCVVDEMD